The following is an entry in ClinVar:

ClinVar aggregate classification (germline): Uncertain significance. Review status: criteria provided, multiple submitters, no conflicts (2 of 4 stars). 2 submissions from 2 submitters: Uncertain significance (2). Last evaluated 2026-03-06.

Conditions:
Autosomal recessive limb-girdle muscular dystrophy type 2D (LGMDR3). Also called: MUSCULAR DYSTROPHY, LIMB-GIRDLE, AUTOSOMAL RECESSIVE 3; ADHALINOPATHY, PRIMARY; DUCHENNE-LIKE AUTOSOMAL RECESSIVE MUSCULAR DYSTROPHY, TYPE 2. Identifiers: Orphanet 62, MedGen C2936332, MONDO:0011968, OMIM 608099. Disease mechanism: Affects gamma-sarcoglycan and also disrupts the integrity of the entire sarcoglycan complex..

Submissions (2):

GeneDx
Classification: Uncertain significance. Last evaluated: 2026-03-06. Review status: criteria provided, single submitter. Criteria: GeneDx Variant Classification Process June 2021. Collection method: clinical testing. Allele origin: germline.
Comment: Not observed at significant frequency in large population cohorts (gnomAD); In silico analysis supports a deleterious effect on splicing; Has not been previously published as pathogenic or benign to our knowledge

Labcorp Genetics (formerly Invitae), Labcorp
Classification: Uncertain significance for Autosomal recessive limb-girdle muscular dystrophy type 2D. Last evaluated: 2023-12-15. Review status: criteria provided, single submitter. Criteria: Invitae Variant Classification Sherloc (09022015). Collection method: clinical testing. Allele origin: germline.
Comment: This sequence change falls in intron 6 of the SGCA gene. It does not directly change the encoded amino acid sequence of the SGCA protein. Information on the frequency of this variant in the gnomAD database is not available, as this variant may be reported differently in the database. This variant has been observed in individual(s) with limb-girdle muscular dystrophy (Invitae). In at least one individual the data is consistent with being in trans (on the opposite chromosome) from a pathogenic variant. ClinVar contains an entry for this variant (Variation ID: 1401646). In summary, the available evidence is currently insufficient to determine the role of this variant in disease. Therefore, it has been classified as a Variant of Uncertain Significance.

NM_000023.4(SGCA):c.748-11_748-10delinsAA

Gene: SGCA (sarcoglycan alpha; plus strand). Cytogenetic location: 17q21.33.
Variant type: Indel.
Coding change: c.748-11_748-10delinsAA on transcript NM_000023.4 (MANE Select); 11 bases into the intron before coding-DNA position 748 through 10 bases into the intron before coding-DNA position 748, TC replaced by AA.
Molecular consequence: intron variant.
Genome position (GRCh38, 1-based): chr17:50,170,132-50,170,133, TC replaced by AA. VCF-style: chr17-50170132-TC-AA. GRCh37 (hg19) VCF-style: chr17-48247493-TC-AA.
Other names: c.585-508_585-507delinsAA (NM_001135697.3).
Identifiers: ClinVar variation 1401646 (VCV001401646.7), dbSNP rs2144500582, ClinGen allele CA2573154204.